The following is an entry in ClinVar:

ClinVar aggregate classification (germline): Uncertain significance (1 of 4 stars; one submission).

Conditions:
Primary ciliary dyskinesia. Also called: Ciliary dyskinesia. Identifiers: Orphanet 244, MedGen C0008780, MONDO:0016575, HP:0012265.

gnomAD v4.1: 1 of 1,612,804 alleles (0.000062%); highest among the groups gnomAD compares: Non-Finnish European, 0.000085%; no homozygotes.

Submission:

Labcorp Genetics (formerly Invitae), Labcorp
Classification: Uncertain significance for Primary ciliary dyskinesia. Last evaluated: 2022-01-04. Review status: criteria provided, single submitter. Criteria: Invitae Variant Classification Sherloc (09022015). Collection method: clinical testing. Allele origin: germline.
Comment: In summary, the available evidence is currently insufficient to determine the role of this variant in disease. Therefore, it has been classified as a Variant of Uncertain Significance. Algorithms developed to predict the effect of missense changes on protein structure and function are either unavailable or do not agree on the potential impact of this missense change (SIFT: "Tolerated"; PolyPhen-2: "Not Available"; Align-GVGD: "Class C0"). This variant has not been reported in the literature in individuals affected with DNAH8-related conditions. This variant is not present in population databases (gnomAD no frequency). This sequence change replaces proline, which is neutral and non-polar, with serine, which is neutral and polar, at codon 104 of the DNAH8 protein (p.Pro104Ser).

NM_001206927.2(DNAH8):c.310C>T (p.Pro104Ser)

Genes: DNAH8 (dynein axonemal heavy chain 8; plus strand), LOC126859667 (BRD4-independent group 4 enhancer GRCh37_chr6:38690326-38691525; plus strand). Cytogenetic location: 6p21.2.
Variant type: single nucleotide variant.
Coding change: c.310C>T on transcript NM_001206927.2 (MANE Select); coding-DNA position 310, C replaced by T.
Protein change: p.Pro104Ser; replaces proline 104 with serine.
Molecular consequence: missense variant. On other transcripts: 5 prime UTR variant (1).
Genome position (GRCh38, 1-based): chr6:38,723,119, C>T. VCF-style: chr6-38723119-C-T. GRCh37 (hg19) VCF-style: chr6-38690895-C-T.
Other names: c.-257C>T (NM_001371.4); short protein forms P104S.
Identifiers: ClinVar variation 2141100 (VCV002141100.4), dbSNP rs2533985243, ClinGen allele CA363984854.